The following is an entry in ClinVar:

NM_020975.6(RET):c.1711G>A (p.Asp571Asn)

Gene: RET (ret proto-oncogene; plus strand). Cytogenetic location: 10q11.21.
Variant type: single nucleotide variant.
Coding change: c.1711G>A on transcript NM_020975.6 (MANE Select); coding-DNA position 1711, G replaced by A.
Protein change: p.Asp571Asn; replaces aspartic acid 571 with asparagine.
Molecular consequence: missense variant.
Genome position (GRCh38, 1-based): chr10:43,112,915, G>A. VCF-style: chr10-43112915-G-A. GRCh37 (hg19) VCF-style: chr10-43608363-G-A.
Other names: c.1711G>A, p.Asp571Asn (NM_000323.2, NM_001406743.1, NM_001406744.1 and 6 more transcripts); c.949G>A, p.Asp317Asn (NM_001355216.2); c.1582G>A, p.Asp528Asn (NM_001406761.1, NM_001406762.1, NM_001406764.1 and 1 more transcripts); c.1423G>A, p.Asp475Asn (NM_001406766.1, NM_001406767.1, NM_001406770.1); c.1315G>A, p.Asp439Asn (NM_001406769.1, NM_001406772.1); c.1273G>A, p.Asp425Asn (NM_001406771.1, NM_001406773.1); c.721G>A, p.Asp241Asn (NM_001406784.1); c.814G>A, p.Asp272Asn (NM_001406785.1, NM_001406787.1, NM_001406779.1 and 3 more transcripts); and 5 more; short protein forms D571N, D317N, D229N, D475N, D272N, D528N, D88N, D176N.
Identifiers: ClinVar variation 952258 (VCV000952258.17), dbSNP rs750958377, ClinGen allele CA035189.

ClinVar aggregate classification (germline): Conflicting classifications of pathogenicity. Review status: criteria provided, conflicting classifications (1 of 4 stars). 5 submissions from 5 submitters: Likely pathogenic (1); Uncertain significance (3); Likely benign (1). Last evaluated 2025-11-19.

Conditions:
Hirschsprung disease, susceptibility to, 1 (HSCR1). Also called: RET-Related Hirschsprung Disease. Identifiers: Orphanet 388, MedGen C3888239, MONDO:0007723, OMIM 142623.
Hereditary cancer-predisposing syndrome. Also called: Hereditary Cancer Syndrome; Hereditary neoplastic syndrome; Tumor predisposition; Neoplastic Syndromes, Hereditary. Identifiers: Orphanet 140162, MedGen C0027672, MeSH D009386, MONDO:0015356.
Multiple endocrine neoplasia, type 2 (MEN2). Identifiers: Orphanet 653, MedGen C4048306, MONDO:0019003. Disease mechanism: gain of function.

Allele frequency attached by ClinVar (database versions not stated): ExAC 0.00001; gnomAD exomes 0.00001.
gnomAD v4.1: 7 of 1,614,140 alleles (0.00043%); highest among the groups gnomAD compares: Admixed American, 0.005%; no homozygotes.

Submissions (5):

Labcorp Genetics (formerly Invitae), Labcorp
Classification: Uncertain significance for Multiple endocrine neoplasia, type 2. Last evaluated: 2025-11-19. Review status: criteria provided, single submitter. Criteria: Invitae Variant Classification Sherloc (09022015). Collection method: clinical testing. Allele origin: germline.
Comment: This sequence change replaces aspartic acid, which is acidic and polar, with asparagine, which is neutral and polar, at codon 571 of the RET protein (p.Asp571Asn). This variant is present in population databases (rs750958377, gnomAD 0.006%). This missense change has been observed in individual(s) with Hirschsprung disease (PMID: 29261189, 34267336). ClinVar contains an entry for this variant (Variation ID: 952258). An algorithm developed to predict the effect of missense changes on protein structure and function (PolyPhen-2) suggests that this variant is likely to be disruptive. In summary, the available evidence is currently insufficient to determine the role of this variant in disease. Therefore, it has been classified as a Variant of Uncertain Significance.

Quest Diagnostics Nichols Institute San Juan Capistrano
Classification: Uncertain significance. Last evaluated: 2025-03-17. Review status: criteria provided, single submitter. Criteria: Quest Diagnostics criteria. Collection method: clinical testing. Allele origin: unknown.

All of Us Research Program, National Institutes of Health
Classification: Uncertain significance for Multiple endocrine neoplasia, type 2. Last evaluated: 2024-08-06. Review status: criteria provided, single submitter. Criteria: ACMG Guidelines, 2015. Collection method: clinical testing. Allele origin: germline. Inheritance: Autosomal dominant inheritance. Observed: 2 variant alleles, 2 heterozygotes.
Comment: This study involves interpretation of variants in research participants for the purpose of population health screening. Participant phenotype was not available at the time of variant classification. Additional details can be found in publication PMID: 35346344, PMCID: PMC8962531

Ambry Genetics
Classification: Likely benign for Hereditary cancer-predisposing syndrome. Last evaluated: 2023-07-27. Review status: criteria provided, single submitter. Criteria: Ambry Variant Classification Scheme 2023. Collection method: clinical testing. Allele origin: germline.

Clinical Genetics Service, Universitary Hospital 12 de Octubre
Classification: Likely pathogenic for Hirschsprung disease, susceptibility to, 1. Review status: criteria provided, single submitter. Criteria: ACMG Guidelines, 2015. Collection method: clinical testing. Allele origin: germline. Affected: yes.

Literature cited by the submitters: PubMed 29261189 (cited by Labcorp Genetics (formerly Invitae), Labcorp); PubMed 34267336 (cited by Labcorp Genetics (formerly Invitae), Labcorp and Ambry Genetics); PubMed 16818057 (cited by Ambry Genetics); PubMed 18772120 (cited by Ambry Genetics).